The following is an entry in ClinVar:

ClinVar aggregate classification (germline): Uncertain significance (1 of 4 stars; one submission).

Submission:

Labcorp Genetics (formerly Invitae), Labcorp
Classification: Uncertain significance. Last evaluated: 2021-10-13. Review status: criteria provided, single submitter. Criteria: Invitae Variant Classification Sherloc (09022015). Collection method: clinical testing. Allele origin: germline.
Comment: This sequence change replaces arginine with lysine at codon 54 of the KCNQ5 protein (p.Arg54Lys). The arginine residue is weakly conserved and there is a small physicochemical difference between arginine and lysine. The frequency data for this variant in the population databases is considered unreliable, as metrics indicate insufficient coverage at this position in the ExAC database. This variant has not been reported in the literature in individuals affected with KCNQ5-related conditions. Advanced modeling of protein sequence and biophysical properties (such as structural, functional, and spatial information, amino acid conservation, physicochemical variation, residue mobility, and thermodynamic stability) performed at Invitae indicates that this missense variant is not expected to disrupt KCNQ5 protein function. In summary, the available evidence is currently insufficient to determine the role of this variant in disease. Therefore, it has been classified as a Variant of Uncertain Significance.

NM_019842.4(KCNQ5):c.161G>A (p.Arg54Lys)

Genes: KCNQ5 (potassium voltage-gated channel subfamily Q member 5; plus strand), KCNQ5-DT (KCNQ5 divergent transcript; minus strand). Cytogenetic location: 6q13.
Variant type: single nucleotide variant.
Coding change: c.161G>A on transcript NM_019842.4 (MANE Select); coding-DNA position 161, G replaced by A.
Protein change: p.Arg54Lys; replaces arginine 54 with lysine.
Molecular consequence: missense variant.
Genome position (GRCh38, 1-based): chr6:72,622,350, G>A. VCF-style: chr6-72622350-G-A. GRCh37 (hg19) VCF-style: chr6-73332078-G-A.
Other names: c.161G>A, p.Arg54Lys (NM_001160130.2, NM_001160132.2, NM_001160133.2 and 1 more transcripts); short protein forms R54K.
Identifiers: ClinVar variation 1373994 (VCV001373994.6), dbSNP rs1232973476, ClinGen allele CA364824273.